The following is an entry in ClinVar:

NM_144670.6(A2ML1):c.26T>C (p.Met9Thr)

Genes: A2ML1 (alpha-2-macroglobulin like 1; plus strand), A2ML1-AS1 (A2ML1 antisense RNA 1; minus strand). Cytogenetic location: 12p13.31.
Variant type: single nucleotide variant.
Coding change: c.26T>C on transcript NM_144670.6 (MANE Select); coding-DNA position 26, T replaced by C.
Protein change: p.Met9Thr; replaces methionine 9 with threonine.
Molecular consequence: missense variant.
Genome position (GRCh38, 1-based): chr12:8,822,677, T>C. VCF-style: chr12-8822677-T-C. GRCh37 (hg19) VCF-style: chr12-8975273-T-C.
Other names: short protein forms M9T.
Identifiers: ClinVar variation 1794915 (VCV001794915.9), dbSNP rs377156544, ClinGen allele CA6435130.
Genomic context (GRCh38, chr12:8,822,677, plus strand): 5'-CCCTGACCCTGGAAAAATCTGTCTCACCCACAAAGATGTGGGCTCAGCTCCTTCTAGGAA[T>C]GTTGGCCCTATCACCAGCCATTGCAGAAGAACTTCCGTGAGTGCTTGGTGTCAGAATTGG-3'
Protein context (NP_653271.3, residues 1-19): MWAQLLLG[Met9Thr]LALSPAIAEE

ClinVar aggregate classification (germline): Uncertain significance. Review status: criteria provided, multiple submitters, no conflicts (2 of 4 stars). 2 submissions from 2 submitters: Uncertain significance (2). Last evaluated 2025-05-03.

Allele frequency attached by ClinVar (database versions not stated): gnomAD 0.00003; ESP Exome Variant Server 0.00017.
gnomAD v4.1: 8 of 1,614,084 alleles (0.0005%); highest among the groups gnomAD compares: African/African-American, 0.0093%; no homozygotes.

Submissions (2):

Ambry Genetics
Classification: Uncertain significance. Last evaluated: 2025-05-03. Review status: criteria provided, single submitter. Criteria: Ambry Variant Classification Scheme 2023. Collection method: clinical testing. Allele origin: germline.
Comment: The p.M9T variant (also known as c.26T>C), located in coding exon 1 of the A2ML1 gene, results from a T to C substitution at nucleotide position 26. The methionine at codon 9 is replaced by threonine, an amino acid with similar properties. This amino acid position is conserved. In addition, this alteration is predicted to be tolerated by in silico analysis. Since supporting evidence is limited at this time, the clinical significance of this alteration remains unclear.

Labcorp Genetics (formerly Invitae), Labcorp
Classification: Uncertain significance. Last evaluated: 2024-09-09. Review status: criteria provided, single submitter. Criteria: Invitae Variant Classification Sherloc (09022015). Collection method: clinical testing. Allele origin: germline.
Comment: This sequence change replaces methionine, which is neutral and non-polar, with threonine, which is neutral and polar, at codon 9 of the A2ML1 protein (p.Met9Thr). This variant is present in population databases (rs377156544, gnomAD 0.03%). This variant has not been reported in the literature in individuals affected with A2ML1-related conditions. ClinVar contains an entry for this variant (Variation ID: 1794915). An algorithm developed to predict the effect of missense changes on protein structure and function outputs the following: PolyPhen-2: "Benign". The threonine amino acid residue is found in multiple mammalian species, which suggests that this missense change does not adversely affect protein function. In summary, the available evidence is currently insufficient to determine the role of this variant in disease. Therefore, it has been classified as a Variant of Uncertain Significance.